The following is an entry in ClinVar:

NM_000135.4(FANCA):c.79+58C>T

Genes: FANCA (FA complementation group A; minus strand), LOC112486223 (Sharpr-MPRA regulatory region 3988; plus strand). Cytogenetic location: 16q24.3.
Variant type: single nucleotide variant.
Coding change: c.79+58C>T on transcript NM_000135.4 (MANE Select); 58 bases into the intron after coding-DNA position 79, C replaced by T.
Molecular consequence: intron variant.
Genome position (GRCh38, 1-based): chr16:89,816,479, G>A on the plus strand (C>T on the coding strand, the complement: FANCA is on the minus strand). VCF-style: chr16-89816479-G-A. GRCh37 (hg19) VCF-style: chr16-89882887-G-A.
Other names: c.79+58C>T (NM_001286167.3, NM_001351830.2, NM_001018112.3).
Identifiers: ClinVar variation 2647141 (VCV002647141.24), dbSNP rs555019210, ClinGen allele CA8253253.

ClinVar aggregate classification (germline): Likely benign (1 of 4 stars; one submission).

Allele frequency attached by ClinVar (database versions not stated): 1000 Genomes Project 0.00120; 1000 Genomes Project 30x 0.00141; TOPMed 0.00164; gnomAD 0.00220; ExAC 0.01206.
gnomAD v4.1: 3,936 of 1,409,524 alleles (0.28%); highest among the groups gnomAD compares: South Asian, 0.55%; 18 homozygotes.

Submission:

CeGaT Center for Human Genetics Tuebingen
Classification: Likely benign. Last evaluated: 2023-07-01. Review status: criteria provided, single submitter. Criteria: CeGaT Center For Human Genetics Tuebingen Variant Classification Criteria Version 2. Collection method: clinical testing. Allele origin: germline. Affected: yes. Observed: 3 variant alleles.
Comment: FANCA: BS2